The following is an entry in ClinVar:

ClinVar aggregate classification (germline): Uncertain significance (1 of 4 stars; one submission).

Conditions:
RASopathy. Also called: Noonan spectrum disorder; rasopathies. Identifiers: Orphanet 536391, MedGen C5555857, MONDO:0021060.

Submission:

Labcorp Genetics (formerly Invitae), Labcorp
Classification: Uncertain significance for RASopathy. Last evaluated: 2025-01-05. Review status: criteria provided, single submitter. Criteria: Invitae Variant Classification Sherloc (09022015). Collection method: clinical testing. Allele origin: germline.
Comment: This sequence change replaces glycine, which is neutral and non-polar, with valine, which is neutral and non-polar, at codon 467 of the PTPN11 protein (p.Gly467Val). This variant is not present in population databases (gnomAD no frequency). This variant has not been reported in the literature in individuals affected with PTPN11-related conditions. Invitae Evidence Modeling of protein sequence and biophysical properties (such as structural, functional, and spatial information, amino acid conservation, physicochemical variation, residue mobility, and thermodynamic stability) indicates that this missense variant is expected to disrupt PTPN11 protein function with a positive predictive value of 95%. In summary, the available evidence is currently insufficient to determine the role of this variant in disease. Therefore, it has been classified as a Variant of Uncertain Significance.

NM_002834.5(PTPN11):c.1400G>T (p.Gly467Val)

Gene: PTPN11 (protein tyrosine phosphatase non-receptor type 11; plus strand). Cytogenetic location: 12q24.13.
Variant type: single nucleotide variant.
Coding change: c.1400G>T on transcript NM_002834.5 (MANE Select); coding-DNA position 1400, G replaced by T.
Protein change: p.Gly467Val; replaces glycine 467 with valine.
Molecular consequence: missense variant.
Genome position (GRCh38, 1-based): chr12:112,488,463, G>T. VCF-style: chr12-112488463-G-T. GRCh37 (hg19) VCF-style: chr12-112926267-G-T.
Other names: c.1412G>T, p.Gly471Val (NM_001330437.2); c.1397G>T, p.Gly466Val (NM_001374625.1); short protein forms G467V, G466V, G471V.
Identifiers: ClinVar variation 3637666 (VCV003637666.2).